The following is an entry in ClinVar:

ClinVar aggregate classification (germline): Conflicting classifications of pathogenicity. Review status: criteria provided, conflicting classifications (1 of 4 stars). 2 submissions from 2 submitters: Uncertain significance (1); Likely benign (1). Last evaluated 2024-12-10.

Conditions:
Long QT syndrome (LQTS). Identifiers: MedGen C0023976, MeSH D008133, MONDO:0002442. Disease mechanism: loss of function. Inheritance: Various modes of inheritance.
Cardiovascular phenotype. Identifiers: MedGen CN230736.

Allele frequency attached by ClinVar (database versions not stated): gnomAD 0.00002 and 0.00003; ESP Exome Variant Server 0.00008.
gnomAD v4.1: 6 of 1,613,968 alleles (0.00037%); highest among the groups gnomAD compares: African/African-American, 0.0067%; no homozygotes.

Submissions (2):

Ambry Genetics
Classification: Likely benign for Cardiovascular phenotype. Last evaluated: 2024-12-10. Review status: criteria provided, single submitter. Criteria: Ambry Variant Classification Scheme 2023. Collection method: clinical testing. Allele origin: germline.

Labcorp Genetics (formerly Invitae), Labcorp
Classification: Uncertain significance for Long QT syndrome. Last evaluated: 2024-10-23. Review status: criteria provided, single submitter. Criteria: Invitae Variant Classification Sherloc (09022015). Collection method: clinical testing. Allele origin: germline.
Comment: This sequence change replaces valine, which is neutral and non-polar, with leucine, which is neutral and non-polar, at codon 2660 of the ANK2 protein (p.Val2660Leu). This variant is present in population databases (rs140042254, gnomAD 0.01%). This variant has not been reported in the literature in individuals affected with ANK2-related conditions. ClinVar contains an entry for this variant (Variation ID: 457057). An algorithm developed to predict the effect of missense changes on protein structure and function (PolyPhen-2) suggests that this variant is likely to be tolerated. In summary, the available evidence is currently insufficient to determine the role of this variant in disease. Therefore, it has been classified as a Variant of Uncertain Significance.

NM_001148.6(ANK2):c.7978G>C (p.Val2660Leu)

Genes: ANK2 (ankyrin 2; plus strand), LOC126807137 (CDK7 strongly-dependent group 2 enhancer GRCh37_chr4:114276560-114277759; plus strand). Cytogenetic location: 4q26.
Variant type: single nucleotide variant.
Coding change: c.7978G>C on transcript NM_001148.6 (MANE Select); coding-DNA position 7978, G replaced by C.
Protein change: p.Val2660Leu; replaces valine 2660 with leucine.
Molecular consequence: missense variant. On other transcripts: intron variant (68).
Genome position (GRCh38, 1-based): chr4:113,356,596, G>C. VCF-style: chr4-113356596-G-C. GRCh37 (hg19) VCF-style: chr4-114277752-G-C.
Other names: c.7744G>C, p.Val2582Leu (NM_001386142.1); c.4378G>C, p.Val1460Leu (NM_001386166.1); c.8119G>C, p.Val2707Leu (NM_001386174.1); c.8095G>C, p.Val2699Leu (NM_001386175.1); c.4412-4227G>C (NM_001386186.2, NM_001386148.2); c.4214-4227G>C (NM_001354269.3); c.4292-4227G>C (NM_001386187.2); c.4253-4227G>C (NM_001386147.1); and 35 more; short protein forms V2660L, V1460L, V2582L, V2699L, V2707L.
Identifiers: ClinVar variation 457057 (VCV000457057.8), dbSNP rs140042254, ClinGen allele CA3051692.